The following is an entry in ClinVar:

NM_000478.6(ALPL):c.1489T>C (p.Cys497Arg)

Gene: ALPL (alkaline phosphatase, biomineralization associated; plus strand). Cytogenetic location: 1p36.12.
Variant type: single nucleotide variant.
Coding change: c.1489T>C on transcript NM_000478.6 (MANE Select); coding-DNA position 1489, T replaced by C.
Protein change: p.Cys497Arg; replaces cysteine 497 with arginine.
Molecular consequence: missense variant.
Genome position (GRCh38, 1-based): chr1:21,577,562, T>C. VCF-style: chr1-21577562-T-C. GRCh37 (hg19) VCF-style: chr1-21904055-T-C.
Other names: c.1324T>C, p.Cys442Arg (NM_001127501.4); c.1258T>C, p.Cys420Arg (NM_001177520.3); c.1489T>C, p.Cys497Arg (NM_001369803.2, NM_001369804.2, NM_001369805.2); short protein forms C420R, C442R, C497R.
Identifiers: ClinVar variation 4086907 (VCV004086907.1).

ClinVar aggregate classification (germline): Likely pathogenic (1 of 4 stars; one submission).

Conditions:
Hypophosphatasia. Also called: Phosphoethanol-aminuria. Identifiers: Orphanet 436, MedGen C0020630, MeSH D007014, MONDO:0018570.

Submission:

Genomenon, Inc
Classification: Likely pathogenic for Hypophosphatasia. Last evaluated: 2025-08-29. Review status: criteria provided, single submitter. Criteria: Genomenon Sequence Variant Interpretation Standards. Collection method: curation. Allele origin: germline. Affected: yes.
Comment: ALPL Cys497Arg (c.1489T>C) is a missense variant that changes the amino acid at residue 497 from Cysteine to Arginine. This variant has been observed in at least one proband affected with hypophosphatasia (PMID:36361766). It is absent or not present at a significant frequency in gnomAD. In silico models agree that this variant is possibly or probably damaging. The presence of pathogenic missense variant(s) at the same amino acid position indicates that this residue is likely important for protein function. In conclusion, we classify ALPL p.Cys497Arg (c.1489T>C) as a likely pathogenic variant.

Literature cited by the submitters: PubMed 36361766.